The following is an entry in ClinVar:

ClinVar aggregate classification (germline): Uncertain significance. Review status: criteria provided, multiple submitters, no conflicts (2 of 4 stars). 2 submissions from 2 submitters: Uncertain significance (2). Last evaluated 2025-07-26.

Submissions (2):

Dasa
Classification: Uncertain significance. Last evaluated: 2025-07-26. Review status: criteria provided, single submitter. Criteria: DASA Assertion Criteria. Collection method: clinical testing. Allele origin: germline.
Comment: NM_017563.5(IL17RD):c.1921_1922delinsTT (p.Ala641Phe) is an in-frame insertion/deletion-insertion predicted to alter the protein sequence without shifting the reading frame. This variant is absent from population databases. The currently available literature and clinical evidence are not sufficient to establish a definitive association between this variant and the reported condition. Therefore, this variant is classified as a variant of uncertain significance.

Labcorp Genetics (formerly Invitae), Labcorp
Classification: Uncertain significance. Last evaluated: 2024-03-20. Review status: criteria provided, single submitter. Criteria: Invitae Variant Classification Sherloc (09022015). Collection method: clinical testing. Allele origin: germline.
Comment: This sequence change replaces alanine, which is neutral and non-polar, with phenylalanine, which is neutral and non-polar, at codon 641 of the IL17RD protein (p.Ala641Phe). Information on the frequency of this variant in the gnomAD database is not available, as this variant may be reported differently in the database. This variant has not been reported in the literature in individuals affected with IL17RD-related conditions. An algorithm developed to predict the effect of missense changes on protein structure and function (PolyPhen-2) suggests that this variant is likely to be tolerated. In summary, the available evidence is currently insufficient to determine the role of this variant in disease. Therefore, it has been classified as a Variant of Uncertain Significance.

NM_017563.5(IL17RD):c.1921_1922delinsTT (p.Ala641Phe)

Genes: IL17RD (interleukin 17 receptor D; minus strand), LOC126806689 (BRD4-independent group 4 enhancer GRCh37_chr3:57131244-57132443; plus strand). Cytogenetic location: 3p14.3.
Variant type: Indel.
Coding change: c.1921_1922delinsTT on transcript NM_017563.5 (MANE Select); coding-DNA positions 1921 to 1922, GC replaced by TT.
Protein change: p.Ala641Phe; replaces alanine 641 with phenylalanine.
Molecular consequence: missense variant.
Genome position (GRCh38, 1-based): chr3:57,097,781-57,097,782, GC replaced by AA on the plus strand (GC replaced by TT on the coding strand, the reverse complement: IL17RD is on the minus strand). VCF-style: chr3-57097781-GC-AA. GRCh37 (hg19) VCF-style: chr3-57131809-GC-AA.
Other names: c.1489_1490delinsTT, p.Ala497Phe (NM_001318864.2); short protein forms A641F, A497F.
Identifiers: ClinVar variation 3674228 (VCV003674228.4).